The following is an entry in ClinVar:

ClinVar aggregate classification (germline): Uncertain significance (1 of 4 stars; one submission).

Submission:

GeneDx
Classification: Uncertain significance. Last evaluated: 2025-02-24. Review status: criteria provided, single submitter. Criteria: GeneDx Variant Classification Process June 2021. Collection method: clinical testing. Allele origin: germline. Affected: yes.
Comment: Not observed at significant frequency in large population cohorts (gnomAD); In silico analysis supports that this missense variant has a deleterious effect on protein structure/function; Has not been previously published as pathogenic or benign to our knowledge

NM_001042702.5(PJVK):c.329T>A (p.Ile110Asn)

Gene: PJVK (pejvakin; plus strand). Cytogenetic location: 2q31.2.
Variant type: single nucleotide variant.
Coding change: c.329T>A on transcript NM_001042702.5 (MANE Select); coding-DNA position 329, T replaced by A.
Protein change: p.Ile110Asn; replaces isoleucine 110 with asparagine.
Molecular consequence: missense variant. On other transcripts: 5 prime UTR variant (2).
Genome position (GRCh38, 1-based): chr2:178,454,449, T>A. VCF-style: chr2-178454449-T-A. GRCh37 (hg19) VCF-style: chr2-179319176-T-A.
Other names: c.338T>A, p.Ile113Asn (NM_001353775.2); c.434T>A, p.Ile145Asn (NM_001353776.2); c.-149T>A (NM_001353777.1, NM_001353778.2); c.329T>A, p.Ile110Asn (NM_001369912.1); short protein forms I110N, I113N, I145N.
Identifiers: ClinVar variation 4076794 (VCV004076794.1).